The following is an entry in ClinVar:

ClinVar aggregate classification (germline): Uncertain significance (1 of 4 stars; one submission).

Conditions:
Early-onset Parkinson disease 20. Also called: PARKINSON DISEASE 20, AUTOSOMAL RECESSIVE EARLY-ONSET. Identifiers: Orphanet 391411, MedGen C3809824, MONDO:0014233, OMIM 615530.
Developmental and epileptic encephalopathy, 53. Also called: Epileptic encephalopathy, early infantile, 53. Identifiers: MedGen C4479313, MONDO:0033362, OMIM 617389.

Allele frequency attached by ClinVar (database versions not stated): gnomAD exomes below 0.00001 and 0.00001.

Submission:

Labcorp Genetics (formerly Invitae), Labcorp
Classification: Uncertain significance for Developmental and epileptic encephalopathy, 53; Early-onset Parkinson disease 20. Last evaluated: 2021-06-15. Review status: criteria provided, single submitter. Criteria: Invitae Variant Classification Sherloc (09022015). Collection method: clinical testing. Allele origin: germline.
Comment: In summary, the available evidence is currently insufficient to determine the role of this variant in disease. Therefore, it has been classified as a Variant of Uncertain Significance. Algorithms developed to predict the effect of missense changes on protein structure and function output the following: SIFT: "Tolerated"; PolyPhen-2: "Benign"; Align-GVGD: "Class C0". The serine amino acid residue is found in multiple mammalian species, suggesting that this missense change does not adversely affect protein function. These predictions have not been confirmed by published functional studies and their clinical significance is uncertain. This variant has not been reported in the literature in individuals with SYNJ1-related conditions. This variant is not present in population databases (ExAC no frequency). This sequence change replaces asparagine with serine at codon 522 of the SYNJ1 protein (p.Asn522Ser). The asparagine residue is moderately conserved and there is a small physicochemical difference between asparagine and serine.

NM_203446.3(SYNJ1):c.1448A>G (p.Asn483Ser)

Gene: SYNJ1 (synaptojanin 1; minus strand). Cytogenetic location: 21q22.11.
Variant type: single nucleotide variant.
Coding change: c.1448A>G on transcript NM_203446.3 (MANE Select); coding-DNA position 1448, A replaced by G.
Protein change: p.Asn483Ser; replaces asparagine 483 with serine.
Molecular consequence: missense variant.
Genome position (GRCh38, 1-based): chr21:32,678,707, T>C on the plus strand (A>G on the coding strand, the complement: SYNJ1 is on the minus strand). VCF-style: chr21-32678707-T-C. GRCh37 (hg19) VCF-style: chr21-34051017-T-C.
Other names: c.1448A>G, p.Asn483Ser (NM_001160302.2); c.1457A>G, p.Asn486Ser (NM_001160306.2); c.1565A>G, p.Asn522Ser (NM_003895.4); short protein forms N486S, N522S, N483S.
Identifiers: ClinVar variation 1345983 (VCV001345983.6), dbSNP rs1200169091, ClinGen allele CA410089344.